The following is an entry in ClinVar:

NM_001145860.2(POP1):c.2018C>T (p.Ala673Val)

Gene: POP1 (POP1 homolog, ribonuclease P/MRP subunit; plus strand). Cytogenetic location: 8q22.2.
Variant type: single nucleotide variant.
Coding change: c.2018C>T on transcript NM_001145860.2 (MANE Select); coding-DNA position 2018, C replaced by T.
Protein change: p.Ala673Val; replaces alanine 673 with valine.
Molecular consequence: missense variant.
Genome position (GRCh38, 1-based): chr8:98,150,600, C>T. VCF-style: chr8-98150600-C-T. GRCh37 (hg19) VCF-style: chr8-99162828-C-T.
Other names: c.2018C>T, p.Ala673Val (NM_001145861.2, NM_015029.3); c.2018C>T (NM_015029.2); short protein forms A673V.
Identifiers: ClinVar variation 2174294 (VCV002174294.3), dbSNP rs146207855, ClinGen allele CA4820748.

ClinVar aggregate classification (germline): Uncertain significance. Review status: criteria provided, multiple submitters, no conflicts (2 of 4 stars). 2 submissions from 2 submitters: Uncertain significance (2). Last evaluated 2024-10-29.

Conditions:
Inborn genetic diseases. Identifiers: MedGen C0950123, MeSH D030342.

Allele frequency attached by ClinVar (database versions not stated): TOPMed 0.00004; gnomAD exomes 0.00005; ExAC 0.00007; gnomAD 0.00007; 1000 Genomes Project 0.00020; 1000 Genomes Project 30x 0.00031.
gnomAD v4.1: 79 of 1,614,130 alleles (0.0049%); highest among the groups gnomAD compares: Admixed American, 0.022%; no homozygotes.

Submissions (2):

Labcorp Genetics (formerly Invitae), Labcorp
Classification: Uncertain significance. Last evaluated: 2024-10-29. Review status: criteria provided, single submitter. Criteria: Invitae Variant Classification Sherloc (09022015). Collection method: clinical testing. Allele origin: germline.
Comment: This sequence change replaces alanine, which is neutral and non-polar, with valine, which is neutral and non-polar, at codon 673 of the POP1 protein (p.Ala673Val). This variant is present in population databases (rs146207855, gnomAD 0.02%). This variant has not been reported in the literature in individuals affected with POP1-related conditions. ClinVar contains an entry for this variant (Variation ID: 2174294). An algorithm developed to predict the effect of missense changes on protein structure and function (PolyPhen-2) suggests that this variant is likely to be disruptive. In summary, the available evidence is currently insufficient to determine the role of this variant in disease. Therefore, it has been classified as a Variant of Uncertain Significance.

Ambry Genetics
Classification: Uncertain significance for Inborn genetic diseases. Last evaluated: 2021-08-17. Review status: criteria provided, single submitter. Criteria: Ambry Variant Classification Scheme 2023. Collection method: clinical testing. Allele origin: germline.